The following is an entry in ClinVar:

ClinVar aggregate classification (germline): Uncertain significance. Review status: criteria provided, multiple submitters, no conflicts (2 of 4 stars). 2 submissions from 2 submitters: Uncertain significance (2). Last evaluated 2025-11-26.

Conditions:
Parathyroid carcinoma (PRTC). Also called: Parathyroid gland carcinoma; CDC73-Related Parathyroid Carcinoma. Identifiers: Orphanet 143, MedGen C0687150, MONDO:0012004, OMIM 608266, HP:0006780.
Hereditary cancer-predisposing syndrome. Also called: Tumor predisposition; Hereditary neoplastic syndrome; Hereditary Cancer Syndrome; Neoplastic Syndromes, Hereditary. Identifiers: Orphanet 140162, MedGen C0027672, MeSH D009386, MONDO:0015356.

Submissions (2):

Ambry Genetics
Classification: Uncertain significance for Hereditary cancer-predisposing syndrome. Last evaluated: 2025-11-26. Review status: criteria provided, single submitter. Criteria: Ambry Variant Classification Scheme 2023. Collection method: clinical testing. Allele origin: germline.
Comment: The p.P138A variant (also known as c.412C>G), located in coding exon 5 of the CDC73 gene, results from a C to G substitution at nucleotide position 412. The proline at codon 138 is replaced by alanine, an amino acid with highly similar properties. This amino acid position is highly conserved in available vertebrate species. In addition, the in silico prediction for this alteration is inconclusive. Based on the available evidence, the clinical significance of this variant remains unclear.

Labcorp Genetics (formerly Invitae), Labcorp
Classification: Uncertain significance for Parathyroid carcinoma. Last evaluated: 2025-01-16. Review status: criteria provided, single submitter. Criteria: Invitae Variant Classification Sherloc (09022015). Collection method: clinical testing. Allele origin: germline.
Comment: This sequence change replaces proline, which is neutral and non-polar, with alanine, which is neutral and non-polar, at codon 138 of the CDC73 protein (p.Pro138Ala). This variant is not present in population databases (gnomAD no frequency). This variant has not been reported in the literature in individuals affected with CDC73-related conditions. ClinVar contains an entry for this variant (Variation ID: 2987662). Invitae Evidence Modeling of protein sequence and biophysical properties (such as structural, functional, and spatial information, amino acid conservation, physicochemical variation, residue mobility, and thermodynamic stability) indicates that this missense variant is not expected to disrupt CDC73 protein function with a negative predictive value of 80%. In summary, the available evidence is currently insufficient to determine the role of this variant in disease. Therefore, it has been classified as a Variant of Uncertain Significance.

NM_024529.5(CDC73):c.412C>G (p.Pro138Ala)

Gene: CDC73 (cell division cycle 73; plus strand). Cytogenetic location: 1q31.2.
Variant type: single nucleotide variant.
Coding change: c.412C>G on transcript NM_024529.5 (MANE Select); coding-DNA position 412, C replaced by G.
Protein change: p.Pro138Ala; replaces proline 138 with alanine.
Molecular consequence: missense variant.
Genome position (GRCh38, 1-based): chr1:193,135,578, C>G. VCF-style: chr1-193135578-C-G. GRCh37 (hg19) VCF-style: chr1-193104708-C-G.
Other names: short protein forms P138A.
Identifiers: ClinVar variation 2987662 (VCV002987662.4), dbSNP rs369542555, ClinGen allele CA343960766.